The following is an entry in ClinVar:

ClinVar aggregate classification (germline): Uncertain significance (1 of 4 stars; one submission).

Conditions:
Familial hemiplegic migraine. Identifiers: MedGen C0338484, MONDO:0000700.

Allele frequency attached by ClinVar (database versions not stated): gnomAD 0.00001; gnomAD exomes 0.00001; TOPMed 0.00003.
gnomAD v4.1: 6 of 1,613,924 alleles (0.00037%); highest among the groups gnomAD compares: Admixed American, 0.01%; no homozygotes.

Submission:

Labcorp Genetics (formerly Invitae), Labcorp
Classification: Uncertain significance for Familial hemiplegic migraine. Last evaluated: 2023-10-22. Review status: criteria provided, single submitter. Criteria: Invitae Variant Classification Sherloc (09022015). Collection method: clinical testing. Allele origin: germline.
Comment: This sequence change replaces alanine, which is neutral and non-polar, with threonine, which is neutral and polar, at codon 476 of the ATP1A2 protein (p.Ala476Thr). This variant is present in population databases (no rsID available, gnomAD 0.009%). This variant has not been reported in the literature in individuals affected with ATP1A2-related conditions. ClinVar contains an entry for this variant (Variation ID: 1374551). Advanced modeling of protein sequence and biophysical properties (such as structural, functional, and spatial information, amino acid conservation, physicochemical variation, residue mobility, and thermodynamic stability) performed at Invitae indicates that this missense variant is not expected to disrupt ATP1A2 protein function. Algorithms developed to predict the effect of sequence changes on RNA splicing suggest that this variant may create or strengthen a splice site. In summary, the available evidence is currently insufficient to determine the role of this variant in disease. Therefore, it has been classified as a Variant of Uncertain Significance.

NM_000702.4(ATP1A2):c.1426G>A (p.Ala476Thr)

Gene: ATP1A2 (ATPase Na+/K+ transporting subunit alpha 2; plus strand). Cytogenetic location: 1q23.2.
Variant type: single nucleotide variant.
Coding change: c.1426G>A on transcript NM_000702.4 (MANE Select); coding-DNA position 1426, G replaced by A.
Protein change: p.Ala476Thr; replaces alanine 476 with threonine.
Molecular consequence: missense variant.
Genome position (GRCh38, 1-based): chr1:160,129,365, G>A. VCF-style: chr1-160129365-G-A. GRCh37 (hg19) VCF-style: chr1-160099155-G-A.
Other names: short protein forms A476T.
Identifiers: ClinVar variation 1374551 (VCV001374551.8), dbSNP rs1325367634, ClinGen allele CA343242249.